The following is an entry in ClinVar:

NM_001378183.1(PIEZO2):c.4708+2T>G

Gene: PIEZO2 (piezo type mechanosensitive ion channel component 2; minus strand). Cytogenetic location: 18p11.22.
Variant type: single nucleotide variant.
Coding change: c.4708+2T>G on transcript NM_001378183.1 (MANE Select); the canonical splice donor site of the intron after coding-DNA position 4708, T replaced by G.
Molecular consequence: splice donor variant.
Genome position (GRCh38, 1-based): chr18:10,741,029, A>C on the plus strand (T>G on the coding strand, the complement: PIEZO2 is on the minus strand). VCF-style: chr18-10741029-A-C. GRCh37 (hg19) VCF-style: chr18-10741027-A-C.
Other names: c.4633+2T>G (NM_022068.4); c.4708+2T>G (NM_001410871.1).
Identifiers: ClinVar variation 978137 (VCV000978137.5), dbSNP rs1189625999, ClinGen allele CA401915960.

ClinVar aggregate classification (germline): Likely pathogenic. Review status: criteria provided, multiple submitters, no conflicts (2 of 4 stars). 2 submissions from 2 submitters: Likely pathogenic (2). Last evaluated 2023-03-21.

Conditions:
Arthrogryposis- oculomotor limitation-electroretinal anomalies syndrome. Also called: ARTHROGRYPOSIS WITH OCULOMOTOR LIMITATION AND ELECTRORETINAL ABNORMALITIES; ARTHROGRYPOSIS, DISTAL, TYPE IIB; ARTHROGRYPOSIS, DISTAL, TYPE 5. Identifiers: Orphanet 1154, MedGen C1862472, MONDO:0007158, OMIM 108145.
Arthrogryposis, distal, with impaired proprioception and touch (DAIPT). Identifiers: MedGen C4310692, MONDO:0014941, OMIM 617146.
Marden-Walker syndrome (MWKS). Also called: Connective tissue disorder Marden Walker type. Identifiers: Orphanet 2461, MedGen C0796033, MONDO:0009564, OMIM 248700.
Gordon syndrome (DA3). Also called: ARTHROGRYPOSIS MULTIPLEX CONGENITA, DISTAL, TYPE IIA; CAMPTODACTYLY, CLEFT PALATE, AND CLUBFOOT; Gordon's syndrome. Identifiers: Orphanet 376, MedGen C0220666, MONDO:0007252, OMIM 114300.

Allele frequency attached by ClinVar (database versions not stated): gnomAD exomes below 0.00001 and 0.00001.
gnomAD v4.1: 3 of 1,537,232 alleles (0.0002%); highest among the groups gnomAD compares: Non-Finnish European, 0.00026%; no homozygotes.

Submissions (2):

Labcorp Genetics (formerly Invitae), Labcorp
Classification: Likely pathogenic. Last evaluated: 2023-03-21. Review status: criteria provided, single submitter. Criteria: Invitae Variant Classification Sherloc (09022015). Collection method: clinical testing. Allele origin: germline.
Comment: In summary, the currently available evidence indicates that the variant is pathogenic, but additional data are needed to prove that conclusively. Therefore, this variant has been classified as Likely Pathogenic. Algorithms developed to predict the effect of sequence changes on RNA splicing suggest that this variant may disrupt the consensus splice site. ClinVar contains an entry for this variant (Variation ID: 978137). This variant has not been reported in the literature in individuals affected with PIEZO2-related conditions. This variant is present in population databases (no rsID available, gnomAD 0.002%). This sequence change affects a donor splice site in intron 31 of the PIEZO2 gene. It is expected to disrupt RNA splicing. Variants that disrupt the donor or acceptor splice site typically lead to a loss of protein function (PMID: 16199547), and loss-of-function variants in PIEZO2 are known to be pathogenic (PMID: 27653382, 27843126).

New York Genome Center
Classification: Likely pathogenic for Gordon syndrome; Arthrogryposis- oculomotor limitation-electroretinal anomalies syndrome; Arthrogryposis, distal, with impaired proprioception and touch; Marden-Walker syndrome. Last evaluated: 2020-01-29. Review status: criteria provided, single submitter. Criteria: NYGC Assertion Criteria 2020. Collection method: clinical testing. Allele origin: inherited. Observed: 1 heterozygote. Study: CSER-NYCKidSeq.
Comment: The c.4633+2T>G splice site variant in the PIEZO2 gene identified has not been reported in the available literature. The variant has 0.0007% allele frequency in the gnomAD database (1 out of 141,910 heterozygous alleles), indicating this is a rare allele. This splice site variant destroys the canonical splice donor site of intron 31. In silico tools, support a deleterious effect on the gene or gene product. Based on the available evidence, the c.4633+2T>G splice site variant in the PIEZO2 gene is classified as likely pathogenic.

Literature cited by the submitters: PubMed 16199547 (cited by Labcorp Genetics (formerly Invitae), Labcorp); PubMed 27653382 (cited by Labcorp Genetics (formerly Invitae), Labcorp); PubMed 27843126 (cited by Labcorp Genetics (formerly Invitae), Labcorp).